The following is an entry in ClinVar:

NM_006371.5(CRTAP):c.1022A>G (p.His341Arg)

Gene: CRTAP (cartilage associated protein; plus strand). Cytogenetic location: 3p22.3.
Variant type: single nucleotide variant.
Coding change: c.1022A>G on transcript NM_006371.5 (MANE Select); coding-DNA position 1022, A replaced by G.
Protein change: p.His341Arg; replaces histidine 341 with arginine.
Molecular consequence: missense variant.
Genome position (GRCh38, 1-based): chr3:33,132,654, A>G. VCF-style: chr3-33132654-A-G. GRCh37 (hg19) VCF-style: chr3-33174146-A-G.
Other names: c.1022A>G, p.His341Arg (NM_001393363.1); c.893A>G, p.His298Arg (NM_001393364.1); c.872A>G, p.His291Arg (NM_001393365.1); short protein forms H341R, H291R, H298R.
Identifiers: ClinVar variation 344813 (VCV000344813.10), dbSNP rs781545232, ClinGen allele CA2300469.

ClinVar aggregate classification (germline): Uncertain significance. Review status: criteria provided, multiple submitters, no conflicts (2 of 4 stars). 3 submissions from 3 submitters: Uncertain significance (3). Last evaluated 2022-09-07.

Conditions:
Osteogenesis imperfecta (OI). Identifiers: Orphanet 666, MedGen C0029434, MeSH D010013, MONDO:0019019.
Osteogenesis imperfecta type 7 (OI7). Also called: OI type 7; OI type VII; OSTEOGENESIS IMPERFECTA, TYPE IIB; Osteogenesis imperfecta type 2B; OI type 2B; Osteogenesis imperfecta, perinatal lethal autosomal recessive. Identifiers: MedGen C1853162, MONDO:0012536, OMIM 610682.

Allele frequency attached by ClinVar (database versions not stated): TOPMed below 0.00001; ExAC 0.00001; gnomAD 0.00001; gnomAD exomes 0.00001 and 0.00002.
gnomAD v4.1: 35 of 1,613,954 alleles (0.0022%); highest among the groups gnomAD compares: Middle Eastern, 0.016%; no homozygotes.

Submissions (3):

Labcorp Genetics (formerly Invitae), Labcorp
Classification: Uncertain significance for Osteogenesis imperfecta type 7. Last evaluated: 2022-09-07. Review status: criteria provided, single submitter. Criteria: Invitae Variant Classification Sherloc (09022015). Collection method: clinical testing. Allele origin: germline.
Comment: This sequence change replaces histidine, which is basic and polar, with arginine, which is basic and polar, at codon 341 of the CRTAP protein (p.His341Arg). This variant is present in population databases (rs781545232, gnomAD 0.0009%). This variant has not been reported in the literature in individuals affected with CRTAP-related conditions. ClinVar contains an entry for this variant (Variation ID: 344813). Algorithms developed to predict the effect of missense changes on protein structure and function are either unavailable or do not agree on the potential impact of this missense change (SIFT: "Tolerated"; PolyPhen-2: "Possibly Damaging"; Align-GVGD: "Class C0"). In summary, the available evidence is currently insufficient to determine the role of this variant in disease. Therefore, it has been classified as a Variant of Uncertain Significance.

Genome Diagnostics Laboratory, The Hospital for Sick Children
Classification: Uncertain significance for Osteogenesis imperfecta. Last evaluated: 2021-03-03. Review status: criteria provided, single submitter. Criteria: ACMG Guidelines, 2015. Collection method: clinical testing. Allele origin: germline.

Illumina Laboratory Services, Illumina
Classification: Uncertain significance for Osteogenesis imperfecta type 7. Last evaluated: 2018-01-13. Review status: criteria provided, single submitter. Criteria: ICSL Variant Classification Criteria 13 December 2019. Collection method: clinical testing. Allele origin: germline.